The following is an entry in ClinVar:

ClinVar aggregate classification (germline): Pathogenic (1 of 4 stars; one submission).

Conditions:
3-methylcrotonyl-CoA carboxylase 2 deficiency. Also called: 3 alpha methylcrotonyl-CoA carboxylase 2 deficiency; 3 alpha methylcrotonylglycinuria 2; MCC 2 deficiency; Methylcrotonylglycinuria type 2; METHYLCROTONYLGLYCINURIA, TYPE II. Identifiers: Orphanet 6, MedGen C1859499, MONDO:0008862, OMIM 210210.

Submission:

Labcorp Genetics (formerly Invitae), Labcorp
Classification: Pathogenic for 3-methylcrotonyl-CoA carboxylase 2 deficiency. Last evaluated: 2023-03-15. Review status: criteria provided, single submitter. Criteria: Invitae Variant Classification Sherloc (09022015). Collection method: clinical testing. Allele origin: unknown.
Comment: For these reasons, this variant has been classified as Pathogenic. This variant has not been reported in the literature in individuals affected with MCCC2-related conditions. This variant is a gross deletion of the genomic region encompassing exon(s) 1 of the MCCC2 gene, which includes the initiator codon. This deletion extends beyond the assayed region for this gene and therefore may encompass additional genes. It is expected to result in an absent or disrupted protein product. Loss-of-function variants in MCCC2 are known to be pathogenic (PMID: 11181649, 22642865).

Literature cited by the submitters: PubMed 11181649; PubMed 22642865.

NC_000005.9:g.(?_70883253)_(70883401_?)del

Gene: MCCC2 (methylcrotonyl-CoA carboxylase subunit 2; plus strand). Cytogenetic location: 5q13.2.
Variant type: Deletion.
Identifiers: ClinVar variation 3246353 (VCV003246353.1).